The following is an entry in ClinVar:

NM_005476.7(GNE):c.85A>G (p.Met29Val)

Gene: GNE (glucosamine (UDP-N-acetyl)-2-epimerase/N-acetylmannosamine kinase; minus strand). Cytogenetic location: 9p13.3.
Variant type: single nucleotide variant.
Coding change: c.85A>G on transcript NM_005476.7 (MANE Select); coding-DNA position 85, A replaced by G.
Protein change: p.Met29Val; replaces methionine 29 with valine.
Molecular consequence: missense variant. On other transcripts: intron variant (3).
Genome position (GRCh38, 1-based): chr9:36,249,271, T>C on the plus strand (A>G on the coding strand, the complement: GNE is on the minus strand). VCF-style: chr9-36249271-T-C. GRCh37 (hg19) VCF-style: chr9-36249268-T-C.
Other names: c.178A>G, p.Met60Val (NM_001128227.3); c.85A>G, p.Met29Val (NM_001190383.3, NM_001374797.1); c.-13-2789A>G (NM_001190388.2, NM_001190384.3, NM_001374798.1); short protein forms M29V, M60V.
Identifiers: ClinVar variation 968375 (VCV000968375.9), dbSNP rs1830021401, ClinGen allele CA373421874.

ClinVar aggregate classification (germline): Uncertain significance (1 of 4 stars; one submission).

Conditions:
Sialuria. Also called: Sialic Acid Storage Disease; SIALURIA, FRENCH TYPE. Identifiers: Orphanet 3166, MedGen C0342853, MONDO:0010028, OMIM 269921.
GNE myopathy (NM). Also called: IBM 2; Inclusion body myopathy autosomal recessive; Inclusion body myopathy quadriceps sparing; NONAKA DISTAL MYOPATHY; INCLUSION BODY MYOPATHY, HEREDITARY, AUTOSOMAL RECESSIVE; INCLUSION BODY MYOPATHY 2, AUTOSOMAL RECESSIVE. Identifiers: Orphanet 602, MedGen C1853926, MONDO:0011603, OMIM 605820.

Allele frequency attached by ClinVar (database versions not stated): gnomAD exomes below 0.00001.

Submission:

Labcorp Genetics (formerly Invitae), Labcorp
Classification: Uncertain significance for Sialuria; GNE myopathy. Last evaluated: 2022-07-07. Review status: criteria provided, single submitter. Criteria: Invitae Variant Classification Sherloc (09022015). Collection method: clinical testing. Allele origin: germline.
Comment: This variant is not present in population databases (gnomAD no frequency). This sequence change replaces methionine, which is neutral and non-polar, with valine, which is neutral and non-polar, at codon 60 of the GNE protein (p.Met60Val). In summary, the available evidence is currently insufficient to determine the role of this variant in disease. Therefore, it has been classified as a Variant of Uncertain Significance. This variant disrupts the p.Met60 amino acid residue in GNE. Other variant(s) that disrupt this residue have been observed in individuals with GNE-related conditions (PMID: 24027297), which suggests that this may be a clinically significant amino acid residue. Algorithms developed to predict the effect of missense changes on protein structure and function are either unavailable or do not agree on the potential impact of this missense change (SIFT: "Deleterious"; PolyPhen-2: "Benign"; Align-GVGD: "Class C15"). ClinVar contains an entry for this variant (Variation ID: 968375). This variant has not been reported in the literature in individuals affected with GNE-related conditions.

Literature cited by the submitters: PubMed 24027297.